The following is an entry in ClinVar:

ClinVar aggregate classification (germline): Uncertain significance. Review status: criteria provided, multiple submitters, no conflicts (2 of 4 stars). 2 submissions from 2 submitters: Uncertain significance (2). Last evaluated 2025-09-29.

Conditions:
Hereditary pheochromocytoma and paraganglioma. Also called: Hereditary Paraganglioma-Pheochromocytoma Syndromes; Hereditary paragangliomas and pheochromocytomas; Hereditary pheochromocytoma-paraganglioma. Identifiers: Orphanet 29072, MedGen C4274332, MONDO:0017366.

gnomAD v4.1: 1 of 1,614,190 alleles (0.000062%); highest among the groups gnomAD compares: Non-Finnish European, 0.000085%; no homozygotes.

Submissions (2):

Quest Diagnostics Nichols Institute San Juan Capistrano
Classification: Uncertain significance. Last evaluated: 2025-09-29. Review status: criteria provided, single submitter. Criteria: Quest Diagnostics criteria. Collection method: clinical testing. Allele origin: unknown.
Comment: The SDHAF2 c.*2C>A variant has not been reported in individuals with SDHAF2-related conditions in the published literature. This variant also has not been reported in large, multi-ethnic general populations (Genome Aggregation Database). Based on the available information, we are unable to determine the clinical significance of this variant.

Color Diagnostics, LLC DBA Color Health
Classification: Uncertain significance for Hereditary pheochromocytoma and paraganglioma. Last evaluated: 2025-07-17. Review status: criteria provided, single submitter. Criteria: ACMG Guidelines, 2015. Collection method: clinical testing. Allele origin: germline.
Comment: This variant is located in the 3' untranslated region of the SDHAF2 gene. To our knowledge, functional studies have not been reported for this variant. This variant has not been reported in individuals affected with SDHAF2-related disorders in the literature. This variant has not been identified in the general population by the Genome Aggregation Database (gnomAD). The available evidence is insufficient to determine the role of this variant in disease conclusively. Therefore, this variant is classified as a Variant of Uncertain Significance.

NM_017841.4(SDHAF2):c.*2C>A

Gene: SDHAF2 (succinate dehydrogenase complex assembly factor 2; plus strand). Cytogenetic location: 11q12.2.
Variant type: single nucleotide variant.
Coding change: c.*2C>A on transcript NM_017841.4 (MANE Select); 2 bases downstream of the stop codon, C replaced by A.
Molecular consequence: 3 prime UTR variant.
Genome position (GRCh38, 1-based): chr11:61,446,073, C>A. VCF-style: chr11-61446073-C-A. GRCh37 (hg19) VCF-style: chr11-61213545-C-A.
Identifiers: ClinVar variation 4533116 (VCV004533116.2).